The following is an entry in ClinVar:

NM_001127464.1:c.6337A>G

Gene: ZNF469 (zinc finger protein 469; plus strand).
Variant type: single nucleotide variant.
Identifiers: ClinVar variation 4615446 (VCV004615446.1).

ClinVar aggregate classification (germline): Uncertain significance (1 of 4 stars; one submission).

Conditions:
Cardiovascular phenotype. Identifiers: MedGen CN230736.

Submission:

Ambry Genetics
Classification: Uncertain significance for Cardiovascular phenotype. Last evaluated: 2025-09-25. Review status: criteria provided, single submitter. Criteria: Ambry Variant Classification Scheme 2023. Collection method: clinical testing. Allele origin: germline.
Comment: The p.R2113G variant (also known as c.6337A>G), located in coding exon 2 of the ZNF469 gene, results from an A to G substitution at nucleotide position 6337. The arginine at codon 2113 is replaced by glycine, an amino acid with dissimilar properties. This amino acid position is conserved. In addition, this alteration is predicted to be tolerated by in silico analysis. Based on the available evidence, the clinical significance of this variant remains unclear.